The following is an entry in ClinVar:

ClinVar aggregate classification (germline): Conflicting classifications of pathogenicity. Review status: criteria provided, conflicting classifications (1 of 4 stars). 2 submissions from 2 submitters: Likely pathogenic (1); Uncertain significance (1). Last evaluated 2024-04-11.

Conditions:
Oculocutaneous albinism type 4 (OCA4). Also called: Albinism, oculocutaneous, type IV. Identifiers: Orphanet 79435, MedGen C1847836, MONDO:0011683, OMIM 606574.

Allele frequency attached by ClinVar (database versions not stated): gnomAD exomes 0.00001; TOPMed 0.00003; gnomAD 0.00002.

Submissions (2):

Women's Health and Genetics/Laboratory Corporation of America, LabCorp
Classification: Uncertain significance. Last evaluated: 2024-04-11. Review status: criteria provided, single submitter. Criteria: LabCorp Variant Classification Summary - May 2015. Collection method: clinical testing. Allele origin: germline.
Comment: Variant summary: SLC45A2 c.1429G>A (p.Ala477Thr) results in a non-conservative amino acid change in the encoded protein sequence. Five of five in-silico tools predict a damaging effect of the variant on protein function. The variant allele was found at a frequency of 8e-06 in 250688 control chromosomes (gnomAD). The available data on variant occurrences in the general population are insufficient to allow any conclusion about variant significance. c.1429G>A has been reported in the literature in an individual affected with Oculocutaneous albinism type 4 (Rundshagen_2004). These data do not allow any conclusion about variant significance. To our knowledge, no experimental evidence demonstrating an impact on protein function has been reported. The following publication has been ascertained in the context of this evaluation (PMID: 14722913). No submitters have cited clinical-significance assessments for this variant to ClinVar. Based on the evidence outlined above, the variant was classified as uncertain significance.

3billion
Classification: Likely pathogenic for Oculocutaneous albinism type 4. Last evaluated: 2024-02-22. Review status: criteria provided, single submitter. Criteria: ACMG Guidelines, 2015. Collection method: clinical testing. Allele origin: germline. Affected: yes.
Comment: The variant is observed at an extremely low frequency in the gnomAD v2.1.1 dataset (total allele frequency: <0.001%). Predicted Consequence/Location: Missense variant In silico tool predictions suggest damaging effect of the variant on gene or gene product [REVEL: 0.86 (>=0.6, sensitivity 0.68 and specificity 0.92); 3Cnet: 0.67 (>=0.6, sensitivity 0.72 and precision 0.9)]. Same nucleotide change resulting in same amino acid change has been previously reported as pathogenic/likely pathogenic with strong evidence (PMID: 14722913). Therefore, this variant is classified as Likely pathogenic according to the recommendation of ACMG/AMP guideline.

Literature cited by the submitters: PubMed 14722913 (cited by Women's Health and Genetics/Laboratory Corporation of America, LabCorp and 3billion).

NM_016180.5(SLC45A2):c.1429G>A (p.Ala477Thr)

Gene: SLC45A2 (solute carrier family 45 member 2; minus strand). Cytogenetic location: 5p13.2.
Variant type: single nucleotide variant.
Coding change: c.1429G>A on transcript NM_016180.5 (MANE Select); coding-DNA position 1429, G replaced by A.
Protein change: p.Ala477Thr; replaces alanine 477 with threonine.
Molecular consequence: missense variant.
Genome position (GRCh38, 1-based): chr5:33,944,812, C>T on the plus strand (G>A on the coding strand, the complement: SLC45A2 is on the minus strand). VCF-style: chr5-33944812-C-T. GRCh37 (hg19) VCF-style: chr5-33944917-C-T.
Other names: short protein forms A477T.
Identifiers: ClinVar variation 3251343 (VCV003251343.2), dbSNP rs1352999116.
Genomic context (GRCh38, chr5:33,944,812, plus strand): 5'-GAAAGCCCAGGCCACCTCCGACCAGGATCTGAGCCAGCTGCACCATGCATGTGAGGGTGG[C>T]GCAGTCCATGCCCTTCCCTCTCACGCTGTTGTCTGGGTCCCCTCCTGGGGCCTGCTGCCT-3'
Protein context (NP_057264.4, residues 467-487): NSVRGKGMDC[Ala477Thr]TLTCMVQLAQ